The following is an entry in ClinVar:

NM_001365631.1(CLASP2):c.3576G>A (p.Gly1192=)

Gene: CLASP2 (cytoplasmic linker associated protein 2; minus strand). Cytogenetic location: 3p22.3.
Variant type: single nucleotide variant.
Coding change: c.3576G>A on transcript NM_001365631.1 (MANE Select); coding-DNA position 3576, G replaced by A.
Protein change: p.Gly1192=; no amino-acid change (glycine 1192 retained).
Molecular consequence: synonymous variant.
Genome position (GRCh38, 1-based): chr3:33,535,444, C>T on the plus strand (G>A on the coding strand, the complement: CLASP2 is on the minus strand). VCF-style: chr3-33535444-C-T. GRCh37 (hg19) VCF-style: chr3-33576936-C-T.
Other names: c.2940G>A, p.Gly980= (NM_001207044.3, NM_001400424.1); c.3639G>A, p.Gly1213= (NM_001365627.1); c.3663G>A, p.Gly1221= (NM_001365628.1); c.3660G>A, p.Gly1220= (NM_001365629.1); c.3585G>A, p.Gly1195= (NM_001365630.1); c.3573G>A, p.Gly1191= (NM_001365632.1); c.3537G>A, p.Gly1179= (NM_001365633.1); c.3534G>A, p.Gly1178= (NM_001365634.1, NM_001375703.1); and 37 more.
Identifiers: ClinVar variation 3034083 (VCV003034083.2), dbSNP rs368146012, ClinGen allele CA72697180.

ClinVar aggregate classification (germline): Likely benign (0 of 4 stars; one submission).

Conditions:
CLASP2-related disorder. Also called: CLASP2-related condition.

Allele frequency attached by ClinVar (database versions not stated): TOPMed 0.00001; gnomAD 0.00002; gnomAD exomes 0.00002; ESP Exome Variant Server 0.00008.
gnomAD v4.1: 33 of 1,613,514 alleles (0.002%); highest among the groups gnomAD compares: Middle Eastern, 0.016%; no homozygotes.

Submission:

PreventionGenetics, part of Exact Sciences
Classification: Likely benign for CLASP2-related condition. Last evaluated: 2019-06-17. Review status: no assertion criteria provided. Collection method: clinical testing. Allele origin: germline.
Comment: This variant is classified as likely benign based on ACMG/AMP sequence variant interpretation guidelines (Richards et al. 2015 PMID: 25741868, with internal and published modifications).